The following is an entry in ClinVar:

ClinVar aggregate classification (germline): Benign (0 of 4 stars; one submission).

Conditions:
EPPK1-related disorder. Also called: EPPK1-related condition.

Allele frequency attached by ClinVar (database versions not stated): gnomAD exomes 0.00269; ExAC 0.00862; 1000 Genomes Project 0.02915; ESP Exome Variant Server 0.02992; 1000 Genomes Project 30x 0.03170.
gnomAD v4.1: 8,405 of 1,613,218 alleles (0.52%); highest among the groups gnomAD compares: African/African-American, 9.8%; 397 homozygotes.

Submission:

PreventionGenetics, part of Exact Sciences
Classification: Benign for EPPK1-related condition. Last evaluated: 2021-04-14. Review status: no assertion criteria provided. Collection method: clinical testing. Allele origin: germline.
Comment: This variant is classified as benign based on ACMG/AMP sequence variant interpretation guidelines (Richards et al. 2015 PMID: 25741868, with internal and published modifications).

NM_031308.4(EPPK1):c.5117G>A (p.Arg1706His)

Gene: EPPK1 (epiplakin 1; minus strand). Cytogenetic location: 8q24.3.
Variant type: single nucleotide variant.
Coding change: c.5117G>A on transcript NM_031308.4 (MANE Select); coding-DNA position 5117, G replaced by A.
Protein change: p.Arg1706His; replaces arginine 1706 with histidine.
Molecular consequence: missense variant.
Genome position (GRCh38, 1-based): chr8:143,868,137, C>T on the plus strand (G>A on the coding strand, the complement: EPPK1 is on the minus strand). VCF-style: chr8-143868137-C-T. GRCh37 (hg19) VCF-style: chr8-144942305-C-T.
Other names: short protein forms R1706H.
Identifiers: ClinVar variation 3053044 (VCV003053044.2), dbSNP rs112136718, ClinGen allele CA4922256.